The following is an entry in ClinVar:

ClinVar aggregate classification (germline): Likely benign (0 of 4 stars; one submission).

Conditions:
AFF3-related disorder. Also called: AFF3-related condition.

gnomAD v4.1: 6 of 1,607,486 alleles (0.00037%); highest among the groups gnomAD compares: African/African-American, 0.008%; no homozygotes.

Submission:

PreventionGenetics, part of Exact Sciences
Classification: Likely benign for AFF3-related condition. Last evaluated: 2024-05-15. Review status: no assertion criteria provided. Collection method: clinical testing. Allele origin: germline.
Comment: This variant is classified as likely benign based on ACMG/AMP sequence variant interpretation guidelines (Richards et al. 2015 PMID: 25741868, with internal and published modifications).

NM_001386135.1(AFF3):c.498C>A (p.Gly166=)

Gene: AFF3 (ALF transcription elongation factor 3; minus strand). Cytogenetic location: 2q11.2.
Variant type: single nucleotide variant.
Coding change: c.498C>A on transcript NM_001386135.1 (MANE Select); coding-DNA position 498, C replaced by A.
Protein change: p.Gly166=; no amino-acid change (glycine 166 retained).
Molecular consequence: synonymous variant.
Genome position (GRCh38, 1-based): chr2:100,007,007, G>T on the plus strand (C>A on the coding strand, the complement: AFF3 is on the minus strand). VCF-style: chr2-100007007-G-T. GRCh37 (hg19) VCF-style: chr2-100623469-G-T.
Other names: c.573C>A, p.Gly191= (NM_001025108.2); c.498C>A, p.Gly166= (NM_002285.3).
Identifiers: ClinVar variation 3358750 (VCV003358750.1).